The following is an entry in ClinVar:

NM_001142864.4(PIEZO1):c.920G>A (p.Gly307Asp)

Genes: HSALR1 (HSP90AB1 associated lncRNA 1; plus strand), PIEZO1 (piezo type mechanosensitive ion channel component 1 (Er blood group); minus strand). Cytogenetic location: 16q24.3.
Variant type: single nucleotide variant.
Coding change: c.920G>A on transcript NM_001142864.4 (MANE Select); coding-DNA position 920, G replaced by A.
Protein change: p.Gly307Asp; replaces glycine 307 with aspartic acid.
Molecular consequence: missense variant. On other transcripts: non-coding transcript variant (1).
Genome position (GRCh38, 1-based): chr16:88,738,034, C>T on the plus strand (G>A on the coding strand, the complement: PIEZO1 is on the minus strand). VCF-style: chr16-88738034-C-T. GRCh37 (hg19) VCF-style: chr16-88804442-C-T.
Other names: c.920G>A (NM_001142864.2); short protein forms G307D.
Identifiers: ClinVar variation 2920916 (VCV002920916.4), dbSNP rs773795281, ClinGen allele CA8233166.

ClinVar aggregate classification (germline): Conflicting classifications of pathogenicity. Review status: criteria provided, conflicting classifications (1 of 4 stars). 4 submissions from 4 submitters: Uncertain significance (3); Benign (1). Last evaluated 2025-10-12.

Conditions:
Lymphatic malformation 6 (LMPHM6). Also called: GENERALIZED LYMPHATIC DYSPLASIA OF FOTIOU; Lymphedema, hereditary, III; PIEZO1-related generalized lymphatic dysplasia with non-immune hydrops fetalis. Identifiers: Orphanet 568062, MedGen C4225184, MONDO:0014797, OMIM 616843.
Inborn genetic diseases. Identifiers: MedGen C0950123, MeSH D030342.

Allele frequency attached by ClinVar (database versions not stated): gnomAD exomes 0.00001; ExAC 0.00006; gnomAD 0.00007; TOPMed 0.00011.
gnomAD v4.1: 29 of 1,535,596 alleles (0.0019%); highest among the groups gnomAD compares: African/African-American, 0.027%; no homozygotes.

Submissions (4):

Labcorp Genetics (formerly Invitae), Labcorp
Classification: Benign. Last evaluated: 2025-10-12. Review status: criteria provided, single submitter. Criteria: Invitae Variant Classification Sherloc (09022015). Collection method: clinical testing. Allele origin: germline.

Clinical Genomics Laboratory, Washington University in St. Louis
Classification: Uncertain significance for Lymphatic malformation 6. Last evaluated: 2025-08-19. Review status: criteria provided, single submitter. Criteria: ACMG Guidelines, 2015. Collection method: clinical testing. Allele origin: germline.
Comment: A PIEZO1 c.920G>A (p.Gly307Asp) variant was identified at a near-heterozygous allelic fraction of 47.7%, a frequency which may be consistent with it being of germline origin. This variant, to our knowledge, has not been reported in the medical literature; however, it has been listed in the ClinVar database as a germline variant of uncertain significance by two submitters (ClinVar Variation ID: 2920916). It is observed on 29/1,535,596 alleles in the general population (gnomAD v4.1.0). Computational predictors indicate that the variant has no impact on the PIEZO1 function. Due to limited information, and based on ACMG/AMP guidelines for variant interpretation (Richards S et al., PMID: 25741868), the clinical significance of this variant is uncertain at this time.

Ambry Genetics
Classification: Uncertain significance for Inborn genetic diseases. Last evaluated: 2025-05-16. Review status: criteria provided, single submitter. Criteria: Ambry Variant Classification Scheme 2023. Collection method: clinical testing. Allele origin: germline.

ARUP Laboratories, Molecular Genetics and Genomics, ARUP Laboratories
Classification: Uncertain significance. Last evaluated: 2023-05-02. Review status: criteria provided, single submitter. Criteria: ARUP Molecular Germline Variant Investigation Process 2024. Collection method: clinical testing. Allele origin: germline.